The following is an entry in ClinVar:

NM_001197104.2(KMT2A):c.10697G>A (p.Ser3566Asn)

Gene: KMT2A (lysine methyltransferase 2A; plus strand). Cytogenetic location: 11q23.3.
Variant type: single nucleotide variant.
Coding change: c.10697G>A on transcript NM_001197104.2 (MANE Select); coding-DNA position 10697, G replaced by A.
Protein change: p.Ser3566Asn; replaces serine 3566 with asparagine.
Molecular consequence: missense variant.
Genome position (GRCh38, 1-based): chr11:118,506,589, G>A. VCF-style: chr11-118506589-G-A. GRCh37 (hg19) VCF-style: chr11-118377304-G-A.
Other names: c.10787G>A, p.Ser3596Asn (NM_001412597.1); c.10688G>A, p.Ser3563Asn (NM_005933.4); short protein forms S3563N, S3566N, S3596N.
Identifiers: ClinVar variation 4800586 (VCV004800586.1).

ClinVar aggregate classification (germline): Uncertain significance (1 of 4 stars; one submission).

gnomAD v4.1: 1 of 1,613,968 alleles (0.000062%); highest among the groups gnomAD compares: Non-Finnish European, 0.000085%; no homozygotes.

Submission:

Labcorp Genetics (formerly Invitae), Labcorp
Classification: Uncertain significance. Last evaluated: 2025-12-08. Review status: criteria provided, single submitter. Criteria: Invitae Variant Classification Sherloc (09022015). Collection method: clinical testing. Allele origin: germline.
Comment: This sequence change replaces serine, which is neutral and polar, with asparagine, which is neutral and polar, at codon 3566 of the KMT2A protein (p.Ser3566Asn). This variant is not present in population databases (gnomAD no frequency). This variant has not been reported in the literature in individuals affected with KMT2A-related conditions. Invitae Evidence Modeling of protein sequence and biophysical properties (such as structural, functional, and spatial information, amino acid conservation, physicochemical variation, residue mobility, and thermodynamic stability) indicates that this missense variant is not expected to disrupt KMT2A protein function with a negative predictive value of 95%. In summary, the available evidence is currently insufficient to determine the role of this variant in disease. Therefore, it has been classified as a Variant of Uncertain Significance.